The following is an entry in ClinVar:

ClinVar aggregate classification (germline): Pathogenic (1 of 4 stars; one submission).

Conditions:
Spastic paraplegia. Identifiers: MedGen C0037772, HP:0001258.

Submission:

Labcorp Genetics (formerly Invitae), Labcorp
Classification: Pathogenic for Spastic paraplegia. Last evaluated: 2023-04-09. Review status: criteria provided, single submitter. Criteria: Invitae Variant Classification Sherloc (09022015). Collection method: clinical testing. Allele origin: germline.
Comment: For these reasons, this variant has been classified as Pathogenic. This variant has not been reported in the literature in individuals affected with ERLIN2-related conditions. This variant is not present in population databases (gnomAD no frequency). This sequence change creates a premature translational stop signal (p.Ser61Valfs*10) in the ERLIN2 gene. It is expected to result in an absent or disrupted protein product. Loss-of-function variants in ERLIN2 are known to be pathogenic (PMID: 21330303, 23109145, 24482476, 27824013).

Literature cited by the submitters: PubMed 21330303; PubMed 23109145; PubMed 24482476; PubMed 27824013.

NM_007175.8(ERLIN2):c.179dup (p.Ser61fs)

Gene: ERLIN2 (ER lipid raft associated 2; plus strand). Cytogenetic location: 8p11.23.
Variant type: Duplication.
Coding change: c.179dup on transcript NM_007175.8 (MANE Select); coding-DNA position 179, one base duplicated (A; older notation c.179dupA).
Protein change: p.Ser61fs; shifts the reading frame from serine 61.
Molecular consequence: frameshift variant.
Genome position (GRCh38, 1-based): chr8:37,740,436, A duplicated; the last of 2 consecutive A bases (chr8:37,740,435-37,740,436); duplicating either gives the same sequence. VCF-style (leftmost placement, unchanged base first): chr8-37740434-T-TA. GRCh37 (hg19) VCF-style: chr8-37597952-T-TA.
Other names: c.179dup, p.Ser61fs (NM_001003790.4, NM_001003791.3, NM_001362878.2 and 1 more transcripts); short protein forms S61fs.
Identifiers: ClinVar variation 2845897 (VCV002845897.3), dbSNP rs2487289295, ClinGen allele CA2579141474.